The following is an entry in ClinVar:

ClinVar aggregate classification (germline): Benign/Likely benign. Review status: criteria provided, multiple submitters, no conflicts (2 of 4 stars). 19 submissions from 19 submitters: Benign (7); Likely benign (11). 1 of the submissions does not count toward it. Last evaluated 2026-05-01.

Conditions:
Germ cell tumor of testis (TGCT). Also called: Testicular germ cell tumor; GERM CELL TUMOR, SOMATIC. Identifiers: Orphanet 363504, MedGen C1336708, MONDO:0010108, OMIM 273300.
Melanoma, cutaneous malignant, susceptibility to, 1 (CMM1). Also called: DYSPLASTIC NEVUS SYNDROME, HEREDITARY; FAMILIAL ATYPICAL MOLE-MALIGNANT MELANOMA SYNDROME; MELANOMA, MALIGNANT; B-K MOLE SYNDROME. Identifiers: Orphanet 618, MedGen C1835047, MONDO:0007963, OMIM 155600.
Carcinoma of pancreas. Also called: Exocrine pancreatic carcinoma; Pancreatic cancer, somatic; Pancreatic carcinoma, somatic; PANCREATIC ACINAR CARCINOMA; PANCREATIC CARCINOMA. Identifiers: Orphanet 1333, Orphanet 217074, MedGen C0235974, MONDO:0005192. Disease mechanism: loss of function.
Peutz-Jeghers syndrome (PJS). Also called: Peutz-Jeghers polyposis; Periorificial lentiginosis syndrome; POLYPOSIS, HAMARTOMATOUS INTESTINAL; POLYPS-AND-SPOTS SYNDROME. Identifiers: Orphanet 2869, MedGen C0031269, MeSH D010580, MONDO:0008280, OMIM 175200.
Hereditary cancer-predisposing syndrome. Also called: Tumor predisposition; Hereditary neoplastic syndrome; Hereditary Cancer Syndrome; Neoplastic Syndromes, Hereditary. Identifiers: Orphanet 140162, MedGen C0027672, MeSH D009386, MONDO:0015356.
Malignant tumor of breast. Also called: Cancer breast; Malignant breast neoplasm. Identifiers: MedGen C0006142, MONDO:0007254. Disease mechanism: loss of function.

Allele frequency attached by ClinVar (database versions not stated): ESP Exome Variant Server 0.00008; TOPMed 0.00012; gnomAD exomes 0.00015 and 0.00024; 1000 Genomes Project 0.00020; gnomAD 0.00021 and 0.00023; 1000 Genomes Project 30x 0.00031; ExAC 0.00033.
gnomAD v4.1: 245 of 1,605,208 alleles (0.015%); highest among the groups gnomAD compares: Admixed American, 0.046%; no homozygotes.

Submissions (19):

CeGaT Center for Human Genetics Tuebingen
Classification: Likely benign. Last evaluated: 2026-05-01. Review status: criteria provided, single submitter. Criteria: CeGaT Center For Human Genetics Tuebingen Variant Classification Criteria Version 2. Collection method: clinical testing. Allele origin: germline. Affected: yes. Observed: 6 variant alleles.
Comment: STK11: BP4, BP7

Labcorp Genetics (formerly Invitae), Labcorp
Classification: Benign for Peutz-Jeghers syndrome. Last evaluated: 2026-02-01. Review status: criteria provided, single submitter. Criteria: Invitae Variant Classification Sherloc (09022015). Collection method: clinical testing. Allele origin: germline.

Myriad Genetics, Inc.
Classification: Benign for Peutz-Jeghers syndrome. Last evaluated: 2025-03-28. Review status: criteria provided, single submitter. Criteria: Myriad Autosomal Dominant, Autosomal Recessive and X-Linked Classification Criteria (2023). Collection method: clinical testing. Allele origin: unknown.
Comment: This variant is considered benign. This variant is a silent/synonymous amino acid change and it is not expected to impact splicing.

Center for Genomic Medicine, Rigshospitalet, Copenhagen University Hospital
Classification: Likely benign. Last evaluated: 2025-03-04. Review status: criteria provided, single submitter. Criteria: ACMG Guidelines, 2015. Collection method: clinical testing. Allele origin: germline.

Laboratory of Genetics, Children's Clinical University Hospital Latvia
Classification: Benign. Last evaluated: 2025-02-16. Review status: criteria provided, single submitter. Criteria: ACMG Guidelines, 2015. Collection method: clinical testing. Allele origin: germline. Affected: yes.

Blueprint Genetics
Classification: Likely benign. Last evaluated: 2024-11-12. Review status: criteria provided, single submitter. Criteria: ACMG Guidelines, 2015. Collection method: clinical testing. Allele origin: germline.

All of Us Research Program, National Institutes of Health
Classification: Likely benign for Peutz-Jeghers syndrome. Last evaluated: 2024-02-05. Review status: criteria provided, single submitter. Criteria: ACMG Guidelines, 2015. Collection method: clinical testing. Allele origin: germline. Inheritance: Autosomal dominant inheritance. Observed: 58 variant alleles, 58 heterozygotes.
Comment: This study involves interpretation of variants in research participants for the purpose of population health screening. Participant phenotype was not available at the time of variant classification. Additional details can be found in publication PMID: 35346344, PMCID: PMC8962531

Quest Diagnostics Nichols Institute San Juan Capistrano
Classification: Benign. Last evaluated: 2022-07-09. Review status: criteria provided, single submitter. Criteria: Quest Diagnostics criteria. Collection method: clinical testing. Allele origin: unknown.

Institute for Clinical Genetics, University Hospital TU Dresden, University Hospital TU Dresden
Classification: Likely benign. Last evaluated: 2021-11-03. Review status: criteria provided, single submitter. Criteria: ACMG Guidelines, 2015. Collection method: clinical testing. Allele origin: germline.

Fulgent Genetics
Classification: Likely benign for Melanoma, cutaneous malignant, susceptibility to, 1; Peutz-Jeghers syndrome; Familial pancreatic carcinoma; Germ cell tumor of testis. Last evaluated: 2021-10-21. Review status: criteria provided, single submitter. Criteria: ACMG Guidelines, 2015. Collection method: clinical testing. Allele origin: unknown.

Sema4
Classification: Benign for Hereditary cancer-predisposing syndrome. Last evaluated: 2021-07-16. Review status: criteria provided, single submitter. Criteria: Sema4 Curation Guidelines. Collection method: curation. Allele origin: germline.

Genome-Nilou Lab
Classification: Likely benign for Peutz-Jeghers syndrome. Last evaluated: 2021-07-15. Review status: criteria provided, single submitter. Criteria: ACMG Guidelines, 2015. Collection method: clinical testing. Allele origin: germline. Affected: no.

Illumina Laboratory Services, Illumina
Classification: Likely benign for Peutz-Jeghers syndrome. Last evaluated: 2018-01-12. Review status: criteria provided, single submitter. Criteria: ICSL Variant Classification Criteria 13 December 2019. Collection method: clinical testing. Allele origin: germline.
Comment: This variant was observed in the ICSL laboratory as part of a predisposition screen in an ostensibly healthy population. It had not been previously curated by ICSL or reported in the Human Gene Mutation Database (HGMD: prior to June 1st, 2018), and was therefore a candidate for classification through an automated scoring system. Utilizing variant allele frequency, disease prevalence and penetrance estimates, and inheritance mode, an automated score was calculated to assess if this variant is too frequent to cause the disease. Based on the score and internal cut-off values, a variant classified as likely benign is not then subjected to further curation. The score for this variant resulted in a classification of likely benign for this disease.

PreventionGenetics, part of Exact Sciences
Classification: Likely benign. Last evaluated: 2017-06-28. Review status: criteria provided, single submitter. Criteria: ACMG Guidelines, 2015. Collection method: clinical testing. Allele origin: germline.

Women's Health and Genetics/Laboratory Corporation of America, LabCorp
Classification: Benign. Last evaluated: 2016-07-01. Review status: criteria provided, single submitter. Criteria: LabCorp Variant Classification Summary - May 2015. Collection method: clinical testing. Allele origin: germline.
Comment: Variant summary: The STK11 c.1194G>A (p.Ala398Ala) variant involves the alteration of a non-conserved nucleotide, resulting in a synonymous change. One in silico tool predicts a polymorphism outcome for this variant, and 5/5 splicing algorithms predict no significant change to normal splicing. This variant was found in 22/67290 control chromosomes at a frequency of 0.0003269, which is approximately 52 times the estimated maximal expected allele frequency of a pathogenic STK11 variant (0.0000063), suggesting this variant is likely a benign polymorphism. In addition, multiple clinical diagnostic laboratories/reputable databases classified this variant as Benign/Likely Benign. The variant of interest has not, to our knowledge, been reported in affected individuals via publications and/or reputable databases/clinical diagnostic laboratories; nor evaluated for functional impact by in vivo/vitro studies. Taken together and based on the synonymous nature of this variant and the high allele frequency in the general population, this variant is classified as Benign.

Color Diagnostics, LLC DBA Color Health
Classification: Likely benign for Hereditary cancer-predisposing syndrome. Last evaluated: 2015-04-10. Review status: criteria provided, single submitter. Criteria: ACMG Guidelines, 2015. Collection method: clinical testing. Allele origin: germline.

Ambry Genetics
Classification: Likely benign for Hereditary cancer-predisposing syndrome. Last evaluated: 2014-07-04. Review status: criteria provided, single submitter. Criteria: Ambry Variant Classification Scheme 2023. Collection method: clinical testing. Allele origin: germline.

GeneDx
Classification: Benign. Last evaluated: 2014-01-30. Review status: criteria provided, single submitter. Criteria: GeneDx Variant Classification (06012015). Collection method: clinical testing. Allele origin: germline. Affected: yes.
Comment: This variant is considered likely benign or benign based on one or more of the following criteria: it is a conservative change, it occurs at a poorly conserved position in the protein, it is predicted to be benign by multiple in silico algorithms, and/or has population frequency not consistent with disease.

Department of Pathology and Laboratory Medicine, Sinai Health System
Classification: Likely benign for Malignant tumor of breast. Review status: no assertion criteria provided. Collection method: clinical testing. Allele origin: unknown. Affected: yes. Study: The Canadian Open Genetics Repository (COGR). Not counted in ClinVar's aggregate classification.
Comment: The STK11 p.Ala398= variant was not identified in the literature nor was it identified in the Cosmic, MutDB, LOVD 3.0, Zhejiang Colon Cancer Database or Insight Hereditary Tumors Database. The variant was identified in the following databases: dbSNP (ID: rs184271025) as â€šÃ„ÃºWith Likely benign alleleâ€šÃ„Ã¹ and ClinVar (2x as benign by GeneDx, Integrated Genetics and 3x as likely benign by Invitae, Ambry Genetics and Color Genomics). The variant was identified in control databases in 74 of 255414 chromosomes at a frequency of 0.0003 (Genome Aggregation Database Feb 27, 2017). The variant was observed in the â€šÃ„ÃºOtherâ€šÃ„Ã¹ population in 4 of 6024 chromosomes (freq: 0.00066), Latino in 18 of 33034 chromosomes (freq: 0.0005), European Non-Finnish in 45 of 115132 chromosomes (freq: 0.0004), and Finnish in 7 of 23466 chromosomes (freq: 0.0003); it was not observed in the African, Ashkenazi Jewish, East Asian or South Asian populations. The p.Ala398= variant is not expected to have clinical significance because it does not result in a change of amino acid and is not located in a known consensus splice site. In addition, in silico or computational prediction software programs (SpliceSiteFinder, MaxEntScan, NNSPLICE, GeneSplicer, HumanSpliceFinder) do not predict a difference in splicing. In summary, based on the above information the clinical significance of this variant cannot be determined with certainty at this time although we would lean towards a more benign role for this variant. This variant is classified as likely benign.

Literature cited by the submitters: PubMed 30287823 (cited by Quest Diagnostics Nichols Institute San Juan Capistrano).

NM_000455.5(STK11):c.1194G>A (p.Ala398=)

Gene: STK11 (serine/threonine kinase 11; plus strand). Cytogenetic location: 19p13.3.
Variant type: single nucleotide variant.
Coding change: c.1194G>A on transcript NM_000455.5 (MANE Select); coding-DNA position 1194, G replaced by A.
Protein change: p.Ala398=; no amino-acid change (alanine 398 retained).
Molecular consequence: synonymous variant.
Genome position (GRCh38, 1-based): chr19:1,226,539, G>A. VCF-style: chr19-1226539-G-A. GRCh37 (hg19) VCF-style: chr19-1226538-G-A.
Other names: p.A398A:GCG>GCA.
Identifiers: ClinVar variation 135916 (VCV000135916.61), dbSNP rs184271025, ClinGen allele CA022448.
Genomic context (GRCh38, chr19:1,226,539, plus strand): 5'-TCACAATGGACAGCGCCGGGGCCTCCCCAAGGCCGTGTGTATGAACGGCACAGAGGCGGC[G>A]CAGCTGAGCACCAAATCCAGGGCGGAGGGCCGGGCCCCCAACCCTGCCCGCAAGGCCTGC-3'
Protein context (NP_000446.1, residues 388-408): KAVCMNGTEA[Ala398=]QLSTKSRAEG